The following is an entry in ClinVar:

NM_002296.4(LBR):c.1650T>A (p.Gly550=)

Gene: LBR (lamin B receptor; minus strand). Cytogenetic location: 1q42.12.
Variant type: single nucleotide variant.
Coding change: c.1650T>A on transcript NM_002296.4 (MANE Select); coding-DNA position 1650, T replaced by A.
Protein change: p.Gly550=; no amino-acid change (glycine 550 retained).
Molecular consequence: synonymous variant.
Genome position (GRCh38, 1-based): chr1:225,404,441, A>T on the plus strand (T>A on the coding strand, the complement: LBR is on the minus strand). VCF-style: chr1-225404441-A-T. GRCh37 (hg19) VCF-style: chr1-225592143-A-T.
Other names: c.1650T>A (NM_002296.3); c.1650T>A, p.Gly550= (NM_194442.3).
Identifiers: ClinVar variation 1589664 (VCV001589664.9), dbSNP rs986294837, ClinGen allele CA38505439.

ClinVar aggregate classification (germline): Likely benign. Review status: criteria provided, multiple submitters, no conflicts (2 of 4 stars). 2 submissions from 2 submitters: Likely benign (2). Last evaluated 2025-04-08.

Conditions:
LBR-related disorder. Also called: LBR-related condition; LBR-related disorders.

Allele frequency attached by ClinVar (database versions not stated): gnomAD exomes 0.00001; gnomAD 0.00005 and 0.00006; TOPMed 0.00007.
gnomAD v4.1: 80 of 1,614,090 alleles (0.005%); highest among the groups gnomAD compares: African/African-American, 0.0067%; no homozygotes.

Submissions (2):

PreventionGenetics, part of Exact Sciences
Classification: Likely benign for LBR-related condition. Last evaluated: 2025-04-08. Review status: criteria provided, single submitter. Criteria: ACMG Guidelines, 2015. Collection method: clinical testing. Allele origin: germline.
Comment: This variant is classified as likely benign based on ACMG/AMP sequence variant interpretation guidelines (Richards et al. 2015 PMID: 25741868, with internal and published modifications).

Labcorp Genetics (formerly Invitae), Labcorp
Classification: Likely benign. Last evaluated: 2023-03-02. Review status: criteria provided, single submitter. Criteria: Invitae Variant Classification Sherloc (09022015). Collection method: clinical testing. Allele origin: germline.